The following is an entry in ClinVar:

ClinVar aggregate classification (germline): Likely pathogenic (1 of 4 stars; one submission).

Conditions:
Hereditary cancer-predisposing syndrome. Also called: Hereditary Cancer Syndrome; Hereditary neoplastic syndrome; Neoplastic Syndromes, Hereditary; Tumor predisposition. Identifiers: Orphanet 140162, MedGen C0027672, MeSH D009386, MONDO:0015356.

Allele frequency attached by ClinVar (database versions not stated): TOPMed below 0.00001; gnomAD 0.00001; gnomAD exomes below 0.00001.

Submission:

Ambry Genetics
Classification: Likely pathogenic for Hereditary cancer-predisposing syndrome. Last evaluated: 2026-07-14. Review status: criteria provided, single submitter. Criteria: Ambry Variant Classification Scheme 2023. Collection method: clinical testing. Allele origin: germline.
Comment: The c.3646+2dupT intronic variant, results from a duplication of a T two nucleotides downstream of coding exon 7 in the MSH6 gene. This nucleotide position is highly conserved in available vertebrate species. In silico splice site analysis predicts that this alteration will weaken the native splice donor site. RNA studies have demonstrated that this variant results in abnormal splicing in the set of samples tested (Ambry internal data). Based on the majority of available evidence to date, this variant is likely to be pathogenic.

Literature cited by the submitters: PubMed 20487569.

NM_000179.3(MSH6):c.3646+2dup

Gene: MSH6 (mutS homolog 6; plus strand). Cytogenetic location: 2p16.3.
Variant type: Duplication.
Coding change: c.3646+2dup on transcript NM_000179.3 (MANE Select); the canonical splice donor site of the intron after coding-DNA position 3646, one base duplicated (T; older notation c.3646+2dupT).
Molecular consequence: splice donor variant.
Genome position (GRCh38, 1-based): chr2:47,805,709, T duplicated. VCF-style (leftmost placement, unchanged base first): chr2-47805708-G-GT. GRCh37 (hg19) VCF-style: chr2-48032847-G-GT.
Other names: c.2740+2dup (NM_001281493.2, NM_001281494.2); c.3256+2dup (NM_001281492.2).
Identifiers: ClinVar variation 1733552 (VCV001733552.3), dbSNP rs1269788253, ClinGen allele CA769464860.